The following is an entry in ClinVar:

ClinVar aggregate classification (germline): Uncertain significance. Review status: criteria provided, multiple submitters, no conflicts (2 of 4 stars). 2 submissions from 2 submitters: Uncertain significance (2). Last evaluated 2021-10-06.

Conditions:
Werner syndrome (WRN). Identifiers: Orphanet 902, MedGen C0043119, MONDO:0010196, OMIM 277700.
Inborn genetic diseases. Identifiers: MedGen C0950123, MeSH D030342.

Allele frequency attached by ClinVar (database versions not stated): gnomAD exomes below 0.00001; ExAC 0.00001.
gnomAD v4.1: 1 of 1,588,122 alleles (0.000063%); highest among the groups gnomAD compares: Non-Finnish European, 0.000086%; no homozygotes.

Submissions (2):

Ambry Genetics
Classification: Uncertain significance for Inborn genetic diseases. Last evaluated: 2021-10-06. Review status: criteria provided, single submitter. Criteria: Ambry Variant Classification Scheme 2023. Collection method: clinical testing. Allele origin: germline.

Labcorp Genetics (formerly Invitae), Labcorp
Classification: Uncertain significance for Werner syndrome. Last evaluated: 2021-03-27. Review status: criteria provided, single submitter. Criteria: Invitae Variant Classification Sherloc (09022015). Collection method: clinical testing. Allele origin: germline.
Comment: In summary, the available evidence is currently insufficient to determine the role of this variant in disease. Therefore, it has been classified as a Variant of Uncertain Significance. Algorithms developed to predict the effect of missense changes on protein structure and function are either unavailable or do not agree on the potential impact of this missense change (SIFT: "Not Available"; PolyPhen-2: "Benign"; Align-GVGD: "Not Available"). This variant has not been reported in the literature in individuals with WRN-related conditions. This variant is present in population databases (rs772205458, ExAC 0.002%). This sequence change replaces serine with threonine at codon 1122 of the WRN protein (p.Ser1122Thr). The serine residue is weakly conserved and there is a small physicochemical difference between serine and threonine.

NM_000553.6(WRN):c.3365G>C (p.Ser1122Thr)

Gene: WRN (WRN RecQ like helicase; plus strand). Cytogenetic location: 8p12.
Variant type: single nucleotide variant.
Coding change: c.3365G>C on transcript NM_000553.6 (MANE Select); coding-DNA position 3365, G replaced by C.
Protein change: p.Ser1122Thr; replaces serine 1122 with threonine.
Molecular consequence: missense variant.
Genome position (GRCh38, 1-based): chr8:31,143,605, G>C. VCF-style: chr8-31143605-G-C. GRCh37 (hg19) VCF-style: chr8-31001121-G-C.
Other names: c.3365G>C (NM_000553.4); short protein forms S1122T.
Identifiers: ClinVar variation 1477416 (VCV001477416.9), dbSNP rs772205458, ClinGen allele CA4705025.
Genomic context (GRCh38, chr8:31,143,605, plus strand): 5'-TGCAGTCTAACTTGGAGAAGTTATATTCTTATAAACCATGTGATAAGATTTCTTCTGGGA[G>C]TAACATTTCTAAAAAAAGGTACAGAGTTCCATATTTCTATGTTCTATACTTGCTTTATGA-3'
Protein context (NP_000544.2, residues 1112-1132): YKPCDKISSG[Ser1122Thr]NISKKSIMVQ